The following is an entry in ClinVar:

NM_001111125.3(IQSEC2):c.1582T>C (p.Ser528Pro)

Gene: IQSEC2 (IQ motif and Sec7 domain ArfGEF 2; minus strand). Cytogenetic location: Xp11.22.
Variant type: single nucleotide variant.
Coding change: c.1582T>C on transcript NM_001111125.3 (MANE Select); coding-DNA position 1582, T replaced by C.
Protein change: p.Ser528Pro; replaces serine 528 with proline.
Molecular consequence: missense variant.
Genome position (GRCh38, 1-based): chrX:53,250,994, A>G on the plus strand (T>C on the coding strand, the complement: IQSEC2 is on the minus strand). VCF-style: chrX-53250994-A-G. GRCh37 (hg19) VCF-style: chrX-53280176-A-G.
Other names: c.1582T>C, p.Ser528Pro (NM_001410736.1, NM_001441092.1); c.1084T>C, p.Ser362Pro (NM_001441093.1); c.871T>C, p.Ser291Pro (NM_001441094.1, NM_001441095.1); c.967T>C, p.Ser323Pro (NM_015075.2); short protein forms S291P, S323P, S362P, S528P.
Identifiers: ClinVar variation 4801022 (VCV004801022.1).
Genomic context (GRCh38, chrX:53,250,994, plus strand): 5'-GCGCCCAGAACTCGGGCCGGCCCTGGGGTGGGGGTTCTGTGCTGGGCAGTCGCTCAGGGG[A>G]TTGTTGGGGAACTGTGTCATCCAGGTAGAGGGGAAGATCACTGAAGGATGTGGCTGAGCT-3'
Protein context (NP_001104595.1, residues 518-538): LYLDDTVPQQ[Ser528Pro]PERLPSTEPP

ClinVar aggregate classification (germline): Uncertain significance (1 of 4 stars; one submission).

Conditions:
Intellectual developmental disorder, X-linked 1. Also called: Atkin Flaitz Patil Smith syndrome; MENTAL RETARDATION, X-LINKED 18; MENTAL RETARDATION, X-LINKED 78; Intellectual disability, X-linked 1. Identifiers: Orphanet 777, MedGen C2931498, MONDO:0010656, OMIM 309530.

Submission:

Labcorp Genetics (formerly Invitae), Labcorp
Classification: Uncertain significance for Intellectual developmental disorder, X-linked 1. Last evaluated: 2026-01-13. Review status: criteria provided, single submitter. Criteria: Invitae Variant Classification Sherloc (09022015). Collection method: clinical testing. Allele origin: germline.
Comment: This sequence change replaces serine, which is neutral and polar, with proline, which is neutral and non-polar, at codon 528 of the IQSEC2 protein (p.Ser528Pro). This variant is not present in population databases (gnomAD no frequency). This variant has not been reported in the literature in individuals affected with IQSEC2-related conditions. Invitae Evidence Modeling of protein sequence and biophysical properties (such as structural, functional, and spatial information, amino acid conservation, physicochemical variation, residue mobility, and thermodynamic stability) indicates that this missense variant is not expected to disrupt IQSEC2 protein function with a negative predictive value of 95%. In summary, the available evidence is currently insufficient to determine the role of this variant in disease. Therefore, it has been classified as a Variant of Uncertain Significance.